The following is an entry in ClinVar:

NM_052813.5(CARD9):c.1045C>T (p.Gln349Ter)

Gene: CARD9 (caspase recruitment domain family member 9; minus strand). Cytogenetic location: 9q34.3.
Variant type: single nucleotide variant.
Coding change: c.1045C>T on transcript NM_052813.5 (MANE Select); coding-DNA position 1045, C replaced by T.
Protein change: p.Gln349Ter; replaces glutamine 349 with a stop codon.
Molecular consequence: nonsense.
Genome position (GRCh38, 1-based): chr9:136,369,782, G>A on the plus strand (C>T on the coding strand, the complement: CARD9 is on the minus strand). VCF-style: chr9-136369782-G-A. GRCh37 (hg19) VCF-style: chr9-139264234-G-A.
Other names: c.1045C>T, p.Gln349Ter (NM_052814.4); short protein forms Q349*.
Identifiers: ClinVar variation 1453058 (VCV001453058.6), dbSNP rs2131441761, ClinGen allele CA375543354.

ClinVar aggregate classification (germline): Pathogenic (1 of 4 stars; one submission).

Conditions:
Predisposition to invasive fungal disease due to CARD9 deficiency (IMD103). Also called: IMMUNODEFICIENCY 103, SUSCEPTIBILITY TO FUNGAL INFECTIONS; CARD9 IMMUNODEFICIENCY; Candidiasis, familial, 2, autosomal recessive. Identifiers: Orphanet 457088, MedGen C1859353, MONDO:0008905, OMIM 212050.

Submission:

Labcorp Genetics (formerly Invitae), Labcorp
Classification: Pathogenic for Predisposition to invasive fungal disease due to CARD9 deficiency. Last evaluated: 2022-08-16. Review status: criteria provided, single submitter. Criteria: Invitae Variant Classification Sherloc (09022015). Collection method: clinical testing. Allele origin: germline.
Comment: This variant has not been reported in the literature in individuals affected with CARD9-related conditions. For these reasons, this variant has been classified as Pathogenic. ClinVar contains an entry for this variant (Variation ID: 1453058). This variant is not present in population databases (gnomAD no frequency). This sequence change creates a premature translational stop signal (p.Gln349*) in the CARD9 gene. It is expected to result in an absent or disrupted protein product. Loss-of-function variants in CARD9 are known to be pathogenic (PMID: 19864672, 24131138, 24231284).

Literature cited by the submitters: PubMed 19864672; PubMed 24131138; PubMed 24231284.